The following is an entry in ClinVar:

ClinVar aggregate classification (germline): Uncertain significance (3 of 4 stars; one submission).

Conditions:
Creatine transporter deficiency (CCDS1). Also called: CEREBRAL CREATINE DEFICIENCY SYNDROME 1; Creatine Transporter (CRTR) Deficiency; Mental retardation , X-linked with seizures, short stature and midface hypoplasia; Mental retardation , X-linked, with creatine transport deficiency; X-linked creatine transporter deficiency; X-linked creatine deficiency syndrome. Identifiers: Orphanet 52503, MedGen C1845862, MONDO:0010305, OMIM 300352.

Submission:

ClinGen Cerebral Creatine Deficiency Syndromes Variant Curation Expert Panel, ClinGen
Classification: Uncertain significance for Creatine transporter deficiency. Last evaluated: 2025-01-07. Review status: reviewed by expert panel. Criteria: ClinGen_CCDS_ACMG_Specifications_SLC6A8_v1.1. Collection method: curation. Allele origin: germline. Inheritance: X-linked inheritance.
Comment: The NM_005629.4:c.250_255del variant in SLC6A8 is predicted to result in the inframe deletion of two amino acids (p.Lys84_Asn85del) (PM4). The variant was reported in a patient with creatine transporter deficiency but no individual phenotype or biochemical data is available (PMID: 23644449) (PP4 not met). The in silico predictors MutPredIndel and MutationTaster give conflicting results regarding the impact of this variant on protein function (neither PP3 nor BP4 is met); SpliceAI predicts no impact on splicing. This variant is absent in gnomAD v2.1.1. and v4.1.0. (PM2_Supporting). In summary, this variant meets the criteria to be classified as a variant of uncertain significance for creatine transporter deficiency. SLC6A8-specific ACMG/AMP criteria met, as specified by the ClinGen Cerebral Creatine Deficiency Syndromes Variant Curation Expert Panel (Specifications Version 1.1.0): PM1, PM2_Supporting. (Classification approved by the ClinGen Cerebral Creatine Deficiencies Variant Curation Expert Panel, Jan 7, 2025)

NM_005629.4(SLC6A8):c.250_255del (p.Lys84_Asn85del)

Gene: SLC6A8 (solute carrier family 6 member 8; plus strand). Cytogenetic location: Xq28.
Variant type: Deletion.
Coding change: c.250_255del on transcript NM_005629.4 (MANE Select); coding-DNA positions 250 to 255, 6 bases deleted (AAGAAC; older notation c.250_255delAAGAAC).
Protein change: p.Lys84_Asn85del.
Molecular consequence: inframe deletion.
Genome position (GRCh38, 1-based): chrX:153,688,824-153,688,829, AAGAAC deleted; deleting any 6 consecutive bases within chrX:153,688,822-153,688,829 gives the same sequence; the c. name uses the placement nearest the transcript's 3' end. VCF-style (leftmost placement, unchanged base first): chrX-153688821-TACAAGA-T. GRCh37 (hg19) VCF-style: chrX-152954276-TACAAGA-T.
Other names: NM_001142805.2:c.250_255del; c.250_255del, p.Lys84_Asn85del (NM_001142805.2).
Identifiers: ClinVar variation 3775040 (VCV003775040.1).